The following is an entry in ClinVar:

NM_000494.4(COL17A1):c.2595C>T (p.Arg865=)

Gene: COL17A1 (collagen type XVII alpha 1 chain; minus strand). Cytogenetic location: 10q25.1.
Variant type: single nucleotide variant.
Coding change: c.2595C>T on transcript NM_000494.4 (MANE Select); coding-DNA position 2595, C replaced by T.
Protein change: p.Arg865=; no amino-acid change (arginine 865 retained).
Molecular consequence: synonymous variant.
Genome position (GRCh38, 1-based): chr10:104,041,495, G>A on the plus strand (C>T on the coding strand, the complement: COL17A1 is on the minus strand). VCF-style: chr10-104041495-G-A. GRCh37 (hg19) VCF-style: chr10-105801253-G-A.
Other names: c.2595C>T, p.Arg865= (LRG_1249t1).
Identifiers: ClinVar variation 256269 (VCV000256269.18), dbSNP rs4918079, ClinGen allele CA5678390.

ClinVar aggregate classification (germline): Benign. Review status: criteria provided, multiple submitters, no conflicts (2 of 4 stars). 7 submissions from 6 submitters: Benign (7). Last evaluated 2026-02-04.

Conditions:
Epithelial recurrent erosion dystrophy (ERED). Also called: CORNEAL EROSIONS, RECURRING HEREDITARY. Identifiers: Orphanet 293381, MedGen C1852551, MONDO:0007381, OMIM 122400.
Junctional epidermolysis bullosa, non-Herlitz type. Also called: Adult junctional epidermolysis bullosa; COL17A1-Related Junctional Epidermolysis Bullosa; Epidermolysis bullosa, junctional, non-herlitz type, somatic mosaic revertant; EPIDERMOLYSIS BULLOSA JUNCTIONALIS, DISENTIS TYPE; EPIDERMOLYSIS BULLOSA JUNCTIONALIS, NON-HERLITZ TYPE; EPIDERMOLYSIS BULLOSA JUNCTIONALIS, PROGRESSIVE. Identifiers: Orphanet 251393, Orphanet 79402, Orphanet 79405, Orphanet 89840, MedGen C0268374, MONDO:0009180, OMIM 226650.

Allele frequency attached by ClinVar (database versions not stated): 1000 Genomes Project 30x 0.67146; 1000 Genomes Project 0.67392; TOPMed 0.71572; ESP Exome Variant Server 0.71813; gnomAD 0.71960 and 0.72118; ExAC 0.77249; gnomAD exomes 0.77577 and 0.81137.
gnomAD v4.1: 1,292,804 of 1,611,580 alleles (80%); highest among the groups gnomAD compares: Non-Finnish European, 83%; 524,077 homozygotes.

Submissions (7):

Labcorp Genetics (formerly Invitae), Labcorp
Classification: Benign. Last evaluated: 2026-02-04. Review status: criteria provided, single submitter. Criteria: Invitae Variant Classification Sherloc (09022015). Collection method: clinical testing. Allele origin: germline.

Genome-Nilou Lab
Classification: Benign for Junctional epidermolysis bullosa, non-Herlitz type. Last evaluated: 2021-07-22. Review status: criteria provided, single submitter. Criteria: ACMG Guidelines, 2015. Collection method: clinical testing. Allele origin: germline. Affected: no.

Genome-Nilou Lab
Classification: Benign for Epithelial recurrent erosion dystrophy. Last evaluated: 2021-07-22. Review status: criteria provided, single submitter. Criteria: ACMG Guidelines, 2015. Collection method: clinical testing. Allele origin: germline. Affected: no.

Illumina Laboratory Services, Illumina
Classification: Benign for Junctional epidermolysis bullosa, non-Herlitz type. Last evaluated: 2018-01-13. Review status: criteria provided, single submitter. Criteria: ICSL Variant Classification Criteria 13 December 2019. Collection method: clinical testing. Allele origin: germline.
Comment: This variant was observed in the ICSL laboratory as part of a predisposition screen in an ostensibly healthy population. It had not been previously curated by ICSL or reported in the Human Gene Mutation Database (HGMD: prior to June 1st, 2018), and was therefore a candidate for classification through an automated scoring system. Utilizing variant allele frequency, disease prevalence and penetrance estimates, and inheritance mode, an automated score was calculated to assess if this variant is too frequent to cause the disease. Based on the score and internal cut-off values, a variant classified as benign is not then subjected to further curation. The score for this variant resulted in a classification of benign for this disease.

GeneDx
Classification: Benign. Last evaluated: 2015-03-03. Review status: criteria provided, single submitter. Criteria: GeneDx Variant Classification Process June 2021. Collection method: clinical testing. Allele origin: germline. Affected: yes.
Comment: This variant is associated with the following publications: (PMID: 24668667)

Breakthrough Genomics
Classification: Benign. Review status: criteria provided, single submitter. Criteria: ACMG Guidelines, 2015. Collection method: not provided. Allele origin: germline. Inheritance: Autosomal recessive inheritance. Affected: yes.

PreventionGenetics, part of Exact Sciences
Classification: Benign. Review status: criteria provided, single submitter. Criteria: ACMG Guidelines, 2015. Collection method: clinical testing. Allele origin: germline.